The following is an entry in ClinVar:

ClinVar aggregate classification (germline): Conflicting classifications of pathogenicity. Review status: criteria provided, conflicting classifications (1 of 4 stars). 2 submissions from 2 submitters: Uncertain significance (1); Likely benign (1). Last evaluated 2024-11-22.

Conditions:
Hereditary cancer-predisposing syndrome. Also called: Neoplastic Syndromes, Hereditary; Tumor predisposition; Hereditary Cancer Syndrome; Hereditary neoplastic syndrome. Identifiers: Orphanet 140162, MedGen C0027672, MeSH D009386, MONDO:0015356.

Allele frequency attached by ClinVar (database versions not stated): ExAC 0.00001; gnomAD exomes 0.00001.

Submissions (2):

Quest Diagnostics Nichols Institute San Juan Capistrano
Classification: Uncertain significance. Last evaluated: 2024-11-22. Review status: criteria provided, single submitter. Criteria: Quest Diagnostics criteria. Collection method: clinical testing. Allele origin: unknown.
Comment: The XRCC2 c.226G>A (p.Val76Ile) variant has been reported in the published literature in a reportedly healthy individual in a breast cancer association study (PMID: 33471991 (2021), see also LOVD). The frequency of this variant in the general population, 0.000008 (2/250862 chromosomes (Genome Aggregation Database)), is uninformative in the assessment of its pathogenicity. Analysis of this variant using bioinformatics tools for the prediction of the effect of amino acid changes on protein structure and function yielded predictions that this variant is benign. Based on the available information, we are unable to determine the clinical significance of this variant.

Ambry Genetics
Classification: Likely benign for Hereditary cancer-predisposing syndrome. Last evaluated: 2024-03-29. Review status: criteria provided, single submitter. Criteria: Ambry Variant Classification Scheme 2023. Collection method: clinical testing. Allele origin: germline.

Literature cited by the submitters: PubMed 33471991 (cited by Quest Diagnostics Nichols Institute San Juan Capistrano).

NM_005431.2(XRCC2):c.226G>A (p.Val76Ile)

Gene: XRCC2 (X-ray repair cross complementing 2; minus strand). Cytogenetic location: 7q36.1.
Variant type: single nucleotide variant.
Coding change: c.226G>A on transcript NM_005431.2 (MANE Select); coding-DNA position 226, G replaced by A.
Protein change: p.Val76Ile; replaces valine 76 with isoleucine.
Molecular consequence: missense variant.
Genome position (GRCh38, 1-based): chr7:152,649,259, C>T on the plus strand (G>A on the coding strand, the complement: XRCC2 is on the minus strand). VCF-style: chr7-152649259-C-T. GRCh37 (hg19) VCF-style: chr7-152346344-C-T.
Other names: short protein forms V76I.
Identifiers: ClinVar variation 820991 (VCV000820991.6), dbSNP rs750758181, ClinGen allele CA4582371.